The following is an entry in ClinVar:

ClinVar aggregate classification (germline): Uncertain significance. Review status: criteria provided, multiple submitters, no conflicts (2 of 4 stars). 2 submissions from 2 submitters: Uncertain significance (2). Last evaluated 2026-01-26.

Conditions:
Peutz-Jeghers syndrome (PJS). Also called: POLYPOSIS, HAMARTOMATOUS INTESTINAL; POLYPS-AND-SPOTS SYNDROME; Peutz-Jeghers polyposis; Periorificial lentiginosis syndrome. Identifiers: Orphanet 2869, MedGen C0031269, MeSH D010580, MONDO:0008280, OMIM 175200.
Hereditary cancer-predisposing syndrome. Also called: Neoplastic Syndromes, Hereditary; Tumor predisposition; Hereditary Cancer Syndrome; Hereditary neoplastic syndrome. Identifiers: Orphanet 140162, MedGen C0027672, MeSH D009386, MONDO:0015356.

Submissions (2):

Ambry Genetics
Classification: Uncertain significance for Hereditary cancer-predisposing syndrome. Last evaluated: 2026-01-26. Review status: criteria provided, single submitter. Criteria: Ambry Variant Classification Scheme 2023. Collection method: clinical testing. Allele origin: germline.
Comment: The p.I161T variant (also known as c.482T>C), located in coding exon 4 of the STK11 gene, results from a T to C substitution at nucleotide position 482. The isoleucine at codon 161 is replaced by threonine, an amino acid with similar properties. This amino acid position is not well conserved in available vertebrate species. In addition, the in silico prediction for this alteration is inconclusive. Based on the available evidence, the clinical significance of this variant remains unclear.

Labcorp Genetics (formerly Invitae), Labcorp
Classification: Uncertain significance for Peutz-Jeghers syndrome. Last evaluated: 2022-09-19. Review status: criteria provided, single submitter. Criteria: Invitae Variant Classification Sherloc (09022015). Collection method: clinical testing. Allele origin: germline.
Comment: This sequence change replaces isoleucine, which is neutral and non-polar, with threonine, which is neutral and polar, at codon 161 of the STK11 protein (p.Ile161Thr). This variant is not present in population databases (gnomAD no frequency). This variant has not been reported in the literature in individuals affected with STK11-related conditions. Advanced modeling of protein sequence and biophysical properties (such as structural, functional, and spatial information, amino acid conservation, physicochemical variation, residue mobility, and thermodynamic stability) has been performed at Invitae for this missense variant, however the output from this modeling did not meet the statistical confidence thresholds required to predict the impact of this variant on STK11 protein function. In summary, the available evidence is currently insufficient to determine the role of this variant in disease. Therefore, it has been classified as a Variant of Uncertain Significance.

NM_000455.5(STK11):c.482T>C (p.Ile161Thr)

Gene: STK11 (serine/threonine kinase 11; plus strand). Cytogenetic location: 19p13.3.
Variant type: single nucleotide variant.
Coding change: c.482T>C on transcript NM_000455.5 (MANE Select); coding-DNA position 482, T replaced by C.
Protein change: p.Ile161Thr; replaces isoleucine 161 with threonine.
Molecular consequence: missense variant.
Genome position (GRCh38, 1-based): chr19:1,220,390, T>C. VCF-style: chr19-1220390-T-C. GRCh37 (hg19) VCF-style: chr19-1220389-T-C.
Other names: c.482T>C, p.Ile161Thr (NM_001407255.1); short protein forms I161T.
Identifiers: ClinVar variation 2089772 (VCV002089772.5), dbSNP rs2145424164, ClinGen allele CA402948833.